The following is an entry in ClinVar:

ClinVar aggregate classification (germline): Likely pathogenic (1 of 4 stars; one submission).

Submission:

Dasa
Classification: Likely pathogenic. Last evaluated: 2025-08-25. Review status: criteria provided, single submitter. Criteria: DASA Assertion Criteria. Collection method: clinical testing. Allele origin: germline.
Comment: NM_013275.6(ANKRD11):c.6152C>G (p.Ser2051*) is a nonsense variant in ANKRD11 predicted to introduce a premature termination codon and is predicted to result in an absent or altered protein product. Loss of function is an established disease mechanism for ANKRD11 (PMID: 21782149; PMID: 35330407; PMID: 28422132). Also, this variant is absent from population databases. Based on the currently available evidence, this variant is classified as likely pathogenic.

Literature cited by the submitters: PubMed 21782149; PubMed 35330407; PubMed 28422132.

NM_013275.6(ANKRD11):c.6152C>G (p.Ser2051Ter)

Gene: ANKRD11 (ankyrin repeat domain 11; minus strand). Cytogenetic location: 16q24.3.
Variant type: single nucleotide variant.
Coding change: c.6152C>G on transcript NM_013275.6 (MANE Select); coding-DNA position 6152, C replaced by G.
Protein change: p.Ser2051Ter; replaces serine 2051 with a stop codon.
Molecular consequence: nonsense.
Genome position (GRCh38, 1-based): chr16:89,280,390, G>C on the plus strand (C>G on the coding strand, the complement: ANKRD11 is on the minus strand). VCF-style: chr16-89280390-G-C. GRCh37 (hg19) VCF-style: chr16-89346798-G-C.
Other names: c.6152C>G, p.Ser2051Ter (NM_001256182.2, NM_001256183.2); short protein forms S2051*.
Identifiers: ClinVar variation 4886372 (VCV004886372.2).